The following is an entry in ClinVar:

ClinVar aggregate classification (germline): Benign. Review status: criteria provided, multiple submitters, no conflicts (2 of 4 stars). 5 submissions from 5 submitters: Benign (5). Last evaluated 2026-06-01.

Conditions:
Dubin-Johnson syndrome (DJS). Also called: HYPERBILIRUBINEMIA, DUBIN-JOHNSON TYPE; Hyperbilirubinemia type 2; Jaundice, Chronic Idiopathic. Identifiers: Orphanet 234, MedGen C0022350, MONDO:0009380, OMIM 237500.

Allele frequency attached by ClinVar (database versions not stated): 1000 Genomes Project 30x 0.00671; 1000 Genomes Project 0.00699; TOPMed 0.01112; ESP Exome Variant Server 0.01130; ExAC 0.01402; gnomAD 0.01415 and 0.01435; gnomAD exomes 0.01550 and 0.01708.
gnomAD v4.1: 27,059 of 1,614,074 alleles (1.7%); highest among the groups gnomAD compares: Non-Finnish European, 1.8%; 320 homozygotes.

Submissions (5):

CeGaT Center for Human Genetics Tuebingen
Classification: Benign. Last evaluated: 2026-06-01. Review status: criteria provided, single submitter. Criteria: CeGaT Center For Human Genetics Tuebingen Variant Classification Criteria Version 2. Collection method: clinical testing. Allele origin: germline. Affected: yes. Observed: 7 variant alleles.
Comment: ABCC2: BP4, BS1, BS2

Labcorp Genetics (formerly Invitae), Labcorp
Classification: Benign. Last evaluated: 2026-01-31. Review status: criteria provided, single submitter. Criteria: Invitae Variant Classification Sherloc (09022015). Collection method: clinical testing. Allele origin: germline.

Mayo Clinic Laboratories, Mayo Clinic
Classification: Benign. Last evaluated: 2021-12-29. Review status: criteria provided, single submitter. Criteria: ACMG Guidelines, 2015. Collection method: clinical testing. Allele origin: germline. Observed: 14 variant alleles.
Comment: BS1, BS2, BP4

Illumina Laboratory Services, Illumina
Classification: Benign for Dubin-Johnson syndrome. Last evaluated: 2018-01-13. Review status: criteria provided, single submitter. Criteria: ICSL Variant Classification Criteria 13 December 2019. Collection method: clinical testing. Allele origin: germline.
Comment: This variant was observed in the ICSL laboratory as part of a predisposition screen in an ostensibly healthy population. It had not been previously curated by ICSL or reported in the Human Gene Mutation Database (HGMD: prior to June 1st, 2018), and was therefore a candidate for classification through an automated scoring system. Utilizing variant allele frequency, disease prevalence and penetrance estimates, and inheritance mode, an automated score was calculated to assess if this variant is too frequent to cause the disease. Based on the score and internal cut-off values, a variant classified as benign is not then subjected to further curation. The score for this variant resulted in a classification of benign for this disease.

Breakthrough Genomics
Classification: Benign. Review status: criteria provided, single submitter. Criteria: ACMG Guidelines, 2015. Collection method: not provided. Allele origin: germline. Inheritance: Autosomal recessive inheritance. Affected: yes.

Literature cited by the submitters: PubMed 29304564 (cited by Mayo Clinic Laboratories, Mayo Clinic).

NM_000392.5(ABCC2):c.2546T>G (p.Leu849Arg)

Gene: ABCC2 (ATP binding cassette subfamily C member 2; plus strand). Cytogenetic location: 10q24.2.
Variant type: single nucleotide variant.
Coding change: c.2546T>G on transcript NM_000392.5 (MANE Select); coding-DNA position 2546, T replaced by G.
Protein change: p.Leu849Arg; replaces leucine 849 with arginine.
Molecular consequence: missense variant.
Genome position (GRCh38, 1-based): chr10:99,819,195, T>G. VCF-style: chr10-99819195-T-G. GRCh37 (hg19) VCF-style: chr10-101578952-T-G.
Other names: c.2546T>G, p.Leu849Arg (LRG_1208t1); short protein forms L849R.
Identifiers: ClinVar variation 298457 (VCV000298457.32), dbSNP rs17222617, ClinGen allele CA5643510.